The following is an entry in ClinVar:

NM_000157.4(GBA1):c.454+1G>A

Genes: GBA1 (glucosylceramidase beta 1; minus strand), LOC106627981 (GBA recombination region; plus strand). Cytogenetic location: 1q22.
Variant type: single nucleotide variant.
Coding change: c.454+1G>A on transcript NM_000157.4 (MANE Select); the canonical splice donor site of the intron after coding-DNA position 454, G replaced by A.
Molecular consequence: splice donor variant. On other transcripts: intron variant (1).
Genome position (GRCh38, 1-based): chr1:155,239,615, C>T on the plus strand (G>A on the coding strand, the complement: GBA1 is on the minus strand). VCF-style: chr1-155239615-C-T. GRCh37 (hg19) VCF-style: chr1-155209406-C-T.
Other names: c.454+1G>A (NM_000157.3, NM_001005742.3, NM_001005741.3); c.193+1G>A (NM_001171811.2); c.307+271G>A (NM_001171812.2).
Identifiers: ClinVar variation 1683270 (VCV001683270.3), dbSNP rs539166948, ClinGen allele CA1141755.

ClinVar aggregate classification (germline): Conflicting classifications of pathogenicity. Review status: criteria provided, conflicting classifications (1 of 4 stars). 4 submissions from 4 submitters: Likely pathogenic (2); Uncertain significance (1). 1 of the submissions does not count toward it. Last evaluated 2024-10-10.

Conditions:
Lewy body dementia (DLB). Also called: Lewy Body Disease. Identifiers: MedGen C0752347, MONDO:0007488, OMIM 127750.
Gaucher disease type I (GD1). Also called: GAUCHER DISEASE, NONCEREBRAL JUVENILE; GBA DEFICIENCY; GD I; GLUCOCEREBROSIDASE DEFICIENCY; GD 1; Gaucher's disease, type 1. Identifiers: Orphanet 355, Orphanet 77259, MedGen C1961835, MONDO:0009265, OMIM 230800.
Gaucher disease. Also called: Acute cerebral Gaucher disease; Cerebroside lipidosis syndrome; Gaucher splenomegaly; Sphingolipidosis 1; Glucocerebrosidosis; Glucosylceramidase deficiency. Identifiers: Orphanet 355, MedGen C0017205, MONDO:0018150.

Allele frequency attached by ClinVar (database versions not stated): ExAC 0.00001; gnomAD 0.00001; 1000 Genomes Project 30x 0.00016; 1000 Genomes Project 0.00020.
gnomAD v4.1: 1 of 1,614,202 alleles (0.000062%); highest among the groups gnomAD compares: South Asian, 0.0011%; no homozygotes.

Submissions (4):

Victorian Clinical Genetics Services, Murdoch Childrens Research Institute
Classification: Uncertain significance for Lewy body dementia. Last evaluated: 2024-10-10. Review status: criteria provided, single submitter. Criteria: ACMG Guidelines, 2015. Collection method: clinical testing. Allele origin: germline. Inheritance: Autosomal dominant inheritance. Affected: yes.
Comment: Based on the classification scheme VCGS_Germline_v1.3.5, this variant is classified as VUS-3A. Following criteria are met: 0102 - Loss of function is a known mechanism of disease in this gene and is associated with Gaucher disease (MIM# 230800, 230900, 231000, 231005, 608013) and Lewy body dementia, susceptibility to (MIM#127750). (I) 0108 - This gene is associated with both recessive and dominant disease. Gaucher disease is an autosomal recessive condition; the different types are considered to fall within a spectrum, rather than distinct conditions, and are determined by age of disease onset and the presence and severity of neurologic function. Specific counseling about individual case prognosis is hindered by a significant overlap in the clinical features of individuals with various genotypes (OMIM, PMID: 20301446). Susceptibility to Lewy body dementia is associated with autosomal dominant inheritance. (I) 0115 - Variants in this gene are known to have variable expressivity. Gaucher disease is associated with marked clinical variability, even within the same family (PMID: 31010158). (I) 0211 - Canonical splice site variant without proven consequence on splicing (no functional evidence available). (SP) 0251 - This variant is heterozygous. (I) 0304 - Variant is present in gnomAD (v4) <0.01 (1 heterozygote, 0 homozygotes). (SP) 0505 - Abnormal splicing is predicted by in silico tools and affected nucleotide is highly conserved. (SP) 0704 - Another splice site variant comparable to the one identified in this case has limited previous evidence for pathogenicity. c.454+2T>A has been reported in an individual with early onset Parkinson disease (PMID: 37658046). (SP) 0803 - This variant has limited previous evidence of pathogenicity in an unrelated individual. This variant has been classified as likely pathogenic by a clinical laboratory in ClinVar. This variant has also possibly been observed in an individual with Gaucher disease type 1, however, it is not clear if this is the same variant as the transcript used is not specified (PMID: 17059888). (SP) 0905 - No published segregation evidence has been identified for this variant. (I) 1007 - No published functional evidence has been identified for this variant. (I) 1208 - Inheritance information for this variant is not currently available in this individual. (I) Legend: (SP) - Supporting pathogenic, (I) - Information, (SB) - Supporting benign

Natera, Inc.
Classification: Likely pathogenic for Gaucher disease. Last evaluated: 2024-09-19. Review status: criteria provided, single submitter. Criteria: Natera Variant Classification Schema (03/2026). Collection method: clinical testing. Allele origin: germline.
Comment: The c.454+1G>A variant in GBA1 is a canonical splice donor site variant predicted to affect pre-mRNA splicing, which may result in an abnormal transcript and altered protein product. This variant is expected to result in nonsense mediated decay, truncation, or a dysfunctional protein product. This variant is rare in the general population with a frequency below the threshold expected for the associated phenotype(s). This variant has been observed in one or more individuals affected with the associated recessive disease, as either homozygous or compound heterozygous with a second variant (PMID: 17059888). Given the available evidence, this variant is classified as Likely Pathogenic.

Women's Health and Genetics/Laboratory Corporation of America, LabCorp
Classification: Likely pathogenic for Gaucher disease. Last evaluated: 2022-04-15. Review status: criteria provided, single submitter. Criteria: LabCorp Variant Classification Summary - May 2015. Collection method: clinical testing. Allele origin: germline.
Comment: Variant summary: GBA c.454+1G>A is located in a canonical splice-site and is predicted to affect mRNA splicing resulting in a significantly altered protein due to either exon skipping, shortening, or inclusion of intronic material. Several computational tools predict a significant impact on normal splicing: four predict the variant abolishes a 5' splicing donor site. However, these predictions have yet to be confirmed by functional studies. The variant allele was found at a frequency of 6.6e-06 in 150970 control chromosomes (gnomAD v3.1, genomes dataset). The variant, c.454+1G>A, has been reported in the literature in at least one individual affected with Gaucher Disease (Rozenberg_2006). To our knowledge, no experimental evidence demonstrating an impact on protein function has been reported. No clinical diagnostic laboratories have submitted clinical-significance assessments for this variant to ClinVar after 2014. Based on the evidence outlined above, the variant was classified as likely pathogenic.

Laboratório Nacional de Células Tronco Embrionárias, Instituto de Biociencias - Universidade de Sao Paulo
Classification: Likely pathogenic for Gaucher disease type I. Last evaluated: 2025-06-24. Review status: no assertion criteria provided. Collection method: research. Allele origin: inherited. Inheritance: Autosomal recessive inheritance. Affected: yes. Observed: 1 variant allele. Not counted in ClinVar's aggregate classification.
Comment: This is the only variant detected at the GBA locus in this allele in compound heterozigosity (in trans) with a previously described variant of Gaucher disease - genotype N409S/IVS4+1G>A. Mutation detected and described in Rozenberg et al., 2006 (doi:10.1016/j.bcmd.2006.09.004). Based on these data and established disease mechanisms for GBA1, we classified it as likely pathogenic.

Literature cited by the submitters: PubMed 17059888 (cited by 3 submitters); PubMed 20301446 (cited by Victorian Clinical Genetics Services, Murdoch Childrens Research Institute); PubMed 31010158 (cited by Victorian Clinical Genetics Services, Murdoch Childrens Research Institute); PubMed 37658046 (cited by Victorian Clinical Genetics Services, Murdoch Childrens Research Institute); DOI 10.1016/j.bcmd.2006.09.004 (cited by Laboratório Nacional de Células Tronco Embrionárias, Instituto de Biociencias - Universidade de Sao Paulo).